The following is an entry in ClinVar:

ClinVar aggregate classification (germline): Uncertain significance (1 of 4 stars; one submission).

Submission:

GeneDx
Classification: Uncertain significance. Last evaluated: 2023-12-05. Review status: criteria provided, single submitter. Criteria: GeneDx Variant Classification Process June 2021. Collection method: clinical testing. Allele origin: germline. Affected: yes.
Comment: Not observed at significant frequency in large population cohorts (gnomAD); In silico analysis supports that this missense variant has a deleterious effect on protein structure/function; Has not been previously published as pathogenic or benign to our knowledge

NM_032217.5(ANKRD17):c.1108C>T (p.Pro370Ser)

Gene: ANKRD17 (ankyrin repeat domain 17; minus strand). Cytogenetic location: 4q13.3.
Variant type: single nucleotide variant.
Coding change: c.1108C>T on transcript NM_032217.5 (MANE Select); coding-DNA position 1108, C replaced by T.
Protein change: p.Pro370Ser; replaces proline 370 with serine.
Molecular consequence: missense variant.
Genome position (GRCh38, 1-based): chr4:73,154,006, G>A on the plus strand (C>T on the coding strand, the complement: ANKRD17 is on the minus strand). VCF-style: chr4-73154006-G-A. GRCh37 (hg19) VCF-style: chr4-74019723-G-A.
Other names: c.769C>T, p.Pro257Ser (NM_001286771.3); c.1108C>T, p.Pro370Ser (NM_015574.2, NM_198889.3); short protein forms P257S, P370S.
Identifiers: ClinVar variation 3252128 (VCV003252128.1), dbSNP rs2531233001.